The following is an entry in ClinVar:

ClinVar aggregate classification (germline): Uncertain significance. Review status: criteria provided, multiple submitters, no conflicts (2 of 4 stars). 3 submissions from 3 submitters: Uncertain significance (3). Last evaluated 2025-06-24.

Conditions:
Hereditary nonpolyposis colorectal neoplasms. Identifiers: MedGen C0009405, MeSH D003123.
Hereditary cancer-predisposing syndrome. Also called: Hereditary neoplastic syndrome; Neoplastic Syndromes, Hereditary; Hereditary Cancer Syndrome; Tumor predisposition. Identifiers: Orphanet 140162, MedGen C0027672, MeSH D009386, MONDO:0015356.

Submissions (3):

Color Diagnostics, LLC DBA Color Health
Classification: Uncertain significance for Hereditary cancer-predisposing syndrome. Last evaluated: 2025-06-24. Review status: criteria provided, single submitter. Criteria: ACMG Guidelines, 2015. Collection method: clinical testing. Allele origin: germline.
Comment: This missense variant replaces threonine with proline at codon 336 of the MSH6 protein. Computational prediction suggests that this variant may not impact protein structure and function. To our knowledge, functional studies have not been reported for this variant. This variant has not been reported in individuals affected with MSH6-related disorders in the literature. This variant has not been identified in the general population by the Genome Aggregation Database (gnomAD). The available evidence is insufficient to determine the role of this variant in disease conclusively. Therefore, this variant is classified as a Variant of Uncertain Significance.

Labcorp Genetics (formerly Invitae), Labcorp
Classification: Uncertain significance for Hereditary nonpolyposis colorectal neoplasms. Last evaluated: 2023-06-11. Review status: criteria provided, single submitter. Criteria: Invitae Variant Classification Sherloc (09022015). Collection method: clinical testing. Allele origin: germline.
Comment: This variant has not been reported in the literature in individuals affected with MSH6-related conditions. This variant is not present in population databases (gnomAD no frequency). This sequence change replaces threonine, which is neutral and polar, with proline, which is neutral and non-polar, at codon 336 of the MSH6 protein (p.Thr336Pro). ClinVar contains an entry for this variant (Variation ID: 660468). In summary, the available evidence is currently insufficient to determine the role of this variant in disease. Therefore, it has been classified as a Variant of Uncertain Significance. Advanced modeling of protein sequence and biophysical properties (such as structural, functional, and spatial information, amino acid conservation, physicochemical variation, residue mobility, and thermodynamic stability) performed at Invitae indicates that this missense variant is not expected to disrupt MSH6 protein function.

Ambry Genetics
Classification: Uncertain significance for Hereditary cancer-predisposing syndrome. Last evaluated: 2018-09-28. Review status: criteria provided, single submitter. Criteria: Ambry Variant Classification Scheme 2023. Collection method: clinical testing. Allele origin: germline.
Comment: The p.T336P variant (also known as c.1006A>C), located in coding exon 4 of the MSH6 gene, results from an A to C substitution at nucleotide position 1006. The threonine at codon 336 is replaced by proline, an amino acid with highly similar properties. This amino acid position is not well conserved in available vertebrate species. In addition, the in silico prediction for this alteration is inconclusive. In addition, the CoDP in silico tool predicts this alteration to have minor impact on molecular function, with a score of 0.000 (Terui H et al. J. Biomed. Sci. 2013 Apr;20:25). Since supporting evidence is limited at this time, the clinical significance of this alteration remains unclear.

NM_000179.3(MSH6):c.1006A>C (p.Thr336Pro)

Gene: MSH6 (mutS homolog 6; plus strand). Cytogenetic location: 2p16.3.
Variant type: single nucleotide variant.
Coding change: c.1006A>C on transcript NM_000179.3 (MANE Select); coding-DNA position 1006, A replaced by C.
Protein change: p.Thr336Pro; replaces threonine 336 with proline.
Molecular consequence: missense variant.
Genome position (GRCh38, 1-based): chr2:47,798,989, A>C. VCF-style: chr2-47798989-A-C. GRCh37 (hg19) VCF-style: chr2-48026128-A-C.
Other names: c.616A>C, p.Thr206Pro (NM_001281492.2); c.100A>C, p.Thr34Pro (NM_001281493.2, NM_001281494.2); short protein forms T206P, T336P, T34P.
Identifiers: ClinVar variation 660468 (VCV000660468.15), dbSNP rs1572721235, ClinGen allele CA346741233.
Genomic context (GRCh38, chr2:47,798,989, plus strand): 5'-AGGAAGGAAACGCCCTCAGCCACCAAACAAGCAACTAGCATTTCATCAGAAACCAAGAAT[A>C]CTTTGAGAGCTTTCTCTGCCCCTCAAAATTCTGAATCCCAAGCCCACGTTAGTGGAGGTG-3'
Protein context (NP_000170.1, residues 326-346): ATSISSETKN[Thr336Pro]LRAFSAPQNS